The following is an entry in ClinVar:

ClinVar aggregate classification (germline): Pathogenic (1 of 4 stars; one submission).

Conditions:
Familial cancer of breast. Also called: hereditary breast carcinoma; BREAST CANCER, FAMILIAL; Hereditary breast cancer. Identifiers: Orphanet 227535, MedGen C0346153, MONDO:0016419, OMIM 114480. Disease mechanism: loss of function.

Submission:

Myriad Genetics, Inc.
Classification: Pathogenic for Familial cancer of breast. Last evaluated: 2024-01-26. Review status: criteria provided, single submitter. Criteria: Myriad Autosomal Dominant, Autosomal Recessive and X-Linked Classification Criteria (2023). Collection method: clinical testing. Allele origin: unknown.
Comment: This variant is considered pathogenic. This variant creates a frameshift predicted to result in premature protein truncation.

NM_000051.4(ATM):c.6022del (p.Ile2008fs)

Genes: ATM (ATM serine/threonine kinase; plus strand), C11orf65 (chromosome 11 open reading frame 65; minus strand). Cytogenetic location: 11q22.3.
Variant type: Deletion.
Coding change: c.6022del on transcript NM_000051.4 (MANE Select); coding-DNA position 6022, one base deleted (A; older notation c.6022delA).
Protein change: p.Ile2008fs; shifts the reading frame from isoleucine 2008.
Molecular consequence: frameshift variant. On other transcripts: intron variant (2).
Genome position (GRCh38, 1-based): chr11:108,315,838, A deleted; the last of 3 consecutive A bases (chr11:108,315,836-108,315,838); deleting any one gives the same sequence. VCF-style (leftmost placement, unchanged base first): chr11-108315835-GA-G. GRCh37 (hg19) VCF-style: chr11-108186562-GA-G.
Other names: c.6022del, p.Ile2008fs (NM_001351834.2); c.641-6765del (NM_001330368.2); c.*39-6765del (NM_001351110.2); short protein forms I2008fs.
Identifiers: ClinVar variation 3148388 (VCV003148388.1), dbSNP rs2547088106, ClinGen allele CA2825001848.